The following is an entry in ClinVar:

NM_002474.3(MYH11):c.2562G>A (p.Met854Ile)

Gene: MYH11 (myosin heavy chain 11; minus strand). Cytogenetic location: 16p13.11.
Variant type: single nucleotide variant.
Coding change: c.2562G>A on transcript NM_002474.3 (MANE Select); coding-DNA position 2562, G replaced by A.
Protein change: p.Met854Ile; replaces methionine 854 with isoleucine.
Molecular consequence: missense variant.
Genome position (GRCh38, 1-based): chr16:15,741,850, C>T on the plus strand (G>A on the coding strand, the complement: MYH11 is on the minus strand). VCF-style: chr16-15741850-C-T. GRCh37 (hg19) VCF-style: chr16-15835707-C-T.
Other names: c.2583G>A, p.Met861Ile (NM_001040113.2, NM_001040114.2); c.2562G>A, p.Met854Ile (NM_022844.3); short protein forms M854I, M861I.
Identifiers: ClinVar variation 264463 (VCV000264463.7), dbSNP rs886039165, ClinGen allele CA10587893.

ClinVar aggregate classification (germline): Uncertain significance. Review status: criteria provided, multiple submitters, no conflicts (2 of 4 stars). 3 submissions from 3 submitters: Uncertain significance (3). Last evaluated 2026-01-27.

Conditions:
Familial thoracic aortic aneurysm and aortic dissection (TAAD). Also called: Thoracic aortic aneurysms and dissections. Identifiers: Orphanet 91387, MedGen C4707243, MONDO:0019625.
Aortic aneurysm, familial thoracic 4 (AAT4). Also called: AORTIC ANEURYSM/AORTIC DISSECTION AND PATENT DUCTUS ARTERIOSUS. Identifiers: MedGen C1851504, MONDO:0007568, OMIM 132900.

Submissions (3):

Labcorp Genetics (formerly Invitae), Labcorp
Classification: Uncertain significance for Aortic aneurysm, familial thoracic 4. Last evaluated: 2026-01-27. Review status: criteria provided, single submitter. Criteria: Invitae Variant Classification Sherloc (09022015). Collection method: clinical testing. Allele origin: germline.
Comment: This sequence change replaces methionine, which is neutral and non-polar, with isoleucine, which is neutral and non-polar, at codon 861 of the MYH11 protein (p.Met861Ile). This variant is not present in population databases (gnomAD no frequency). This variant has not been reported in the literature in individuals affected with MYH11-related conditions. ClinVar contains an entry for this variant (Variation ID: 264463). Invitae Evidence Modeling of protein sequence and biophysical properties (such as structural, functional, and spatial information, amino acid conservation, physicochemical variation, residue mobility, and thermodynamic stability) indicates that this missense variant is not expected to disrupt MYH11 protein function with a negative predictive value of 95%. In summary, the available evidence is currently insufficient to determine the role of this variant in disease. Therefore, it has been classified as a Variant of Uncertain Significance.

Color Diagnostics, LLC DBA Color Health
Classification: Uncertain significance for Familial thoracic aortic aneurysm and aortic dissection. Last evaluated: 2025-06-09. Review status: criteria provided, single submitter. Criteria: ACMG Guidelines, 2015. Collection method: clinical testing. Allele origin: germline.
Comment: This missense variant replaces methionine with isoleucine at codon 861 of the MYH11 protein. Computational prediction suggests that this variant may not impact protein structure and function. To our knowledge, functional studies have not been reported for this variant. This variant has not been reported in individuals affected with MYH11-related disorders in the literature. This variant has not been identified in the general population by the Genome Aggregation Database (gnomAD). The available evidence is insufficient to determine the role of this variant in disease conclusively. Therefore, this variant is classified as a Variant of Uncertain Significance.

Ambry Genetics
Classification: Uncertain significance for Familial thoracic aortic aneurysm and aortic dissection. Last evaluated: 2023-03-07. Review status: criteria provided, single submitter. Criteria: Ambry Variant Classification Scheme 2023. Collection method: clinical testing. Allele origin: germline.
Comment: The p.M854I variant (also known as c.2562G>A), located in coding exon 20 of the MYH11 gene, results from a G to A substitution at nucleotide position 2562. The methionine at codon 854 is replaced by isoleucine, an amino acid with highly similar properties. This amino acid position is well conserved in available vertebrate species. In addition, this alteration is predicted to be tolerated by in silico analysis. Since supporting evidence is limited at this time, the clinical significance of this variant remains unclear.